The following is an entry in ClinVar:

NM_001040108.2(MLH3):c.2161A>G (p.Arg721Gly)

Gene: MLH3 (mutL homolog 3; minus strand). Cytogenetic location: 14q24.3.
Variant type: single nucleotide variant.
Coding change: c.2161A>G on transcript NM_001040108.2 (MANE Select); coding-DNA position 2161, A replaced by G.
Protein change: p.Arg721Gly; replaces arginine 721 with glycine.
Molecular consequence: missense variant.
Genome position (GRCh38, 1-based): chr14:75,047,495, T>C on the plus strand (A>G on the coding strand, the complement: MLH3 is on the minus strand). VCF-style: chr14-75047495-T-C. GRCh37 (hg19) VCF-style: chr14-75514198-T-C.
Other names: c.2161A>G, p.Arg721Gly (NM_014381.3); short protein forms R721G.
Identifiers: ClinVar variation 2912825 (VCV002912825.4), dbSNP rs769260542, ClinGen allele CA7275748.

ClinVar aggregate classification (germline): Uncertain significance. Review status: criteria provided, multiple submitters, no conflicts (2 of 4 stars). 2 submissions from 2 submitters: Uncertain significance (2). Last evaluated 2025-03-25.

Conditions:
Colorectal cancer, hereditary nonpolyposis, type 7. Identifiers: Orphanet 144, MedGen C1858380, MONDO:0013725, OMIM 614385.

Allele frequency attached by ClinVar (database versions not stated): gnomAD exomes below 0.00001; TOPMed below 0.00001; ExAC 0.00001.
gnomAD v4.1: 4 of 1,614,174 alleles (0.00025%); highest among the groups gnomAD compares: South Asian, 0.0044%; no homozygotes.

Submissions (2):

Labcorp Genetics (formerly Invitae), Labcorp
Classification: Uncertain significance for Colorectal cancer, hereditary nonpolyposis, type 7. Last evaluated: 2025-03-25. Review status: criteria provided, single submitter. Criteria: Invitae Variant Classification Sherloc (09022015). Collection method: clinical testing. Allele origin: germline.
Comment: This sequence change replaces arginine, which is basic and polar, with glycine, which is neutral and non-polar, at codon 721 of the MLH3 protein (p.Arg721Gly). This variant is present in population databases (rs769260542, gnomAD 0.003%). This variant has not been reported in the literature in individuals affected with MLH3-related conditions. ClinVar contains an entry for this variant (Variation ID: 2912825). An algorithm developed to predict the effect of missense changes on protein structure and function outputs the following: PolyPhen-2: "Benign". The glycine amino acid residue is found in multiple mammalian species, which suggests that this missense change does not adversely affect protein function. In summary, the available evidence is currently insufficient to determine the role of this variant in disease. Therefore, it has been classified as a Variant of Uncertain Significance.

Ambry Genetics
Classification: Uncertain significance. Last evaluated: 2023-12-01. Review status: criteria provided, single submitter. Criteria: Ambry Variant Classification Scheme 2023. Collection method: clinical testing. Allele origin: germline.
Comment: The p.R721G variant (also known as c.2161A>G), located in coding exon 1 of the MLH3 gene, results from an A to G substitution at nucleotide position 2161. The arginine at codon 721 is replaced by glycine, an amino acid with dissimilar properties. This amino acid position is conserved. In addition, this alteration is predicted to be tolerated by in silico analysis. Since supporting evidence is limited at this time, the clinical significance of this alteration remains unclear.